The following is an entry in ClinVar:

ClinVar aggregate classification (germline): Uncertain significance (1 of 4 stars; one submission).

Allele frequency attached by ClinVar (database versions not stated): gnomAD exomes below 0.00001.
gnomAD v4.1: 2 of 1,612,684 alleles (0.00012%); highest among the groups gnomAD compares: Non-Finnish European, 0.00017%; no homozygotes.

Submission:

Labcorp Genetics (formerly Invitae), Labcorp
Classification: Uncertain significance. Last evaluated: 2022-10-10. Review status: criteria provided, single submitter. Criteria: Invitae Variant Classification Sherloc (09022015). Collection method: clinical testing. Allele origin: germline.
Comment: In summary, the available evidence is currently insufficient to determine the role of this variant in disease. Therefore, it has been classified as a Variant of Uncertain Significance. Variants that disrupt the consensus splice site are a relatively common cause of aberrant splicing (PMID: 17576681, 9536098). Algorithms developed to predict the effect of sequence changes on RNA splicing suggest that this variant is not likely to affect RNA splicing. This variant has not been reported in the literature in individuals affected with RP9-related conditions. This variant is present in population databases (no rsID available, gnomAD 0.0009%). This sequence change falls in intron 1 of the RP9 gene. It does not directly change the encoded amino acid sequence of the RP9 protein. It affects a nucleotide within the consensus splice site.

Literature cited by the submitters: PubMed 17576681; PubMed 9536098.

NM_203288.2(RP9):c.153-3C>T

Gene: RP9 (RP9 pre-mRNA splicing factor; minus strand). Cytogenetic location: 7p14.3.
Variant type: single nucleotide variant.
Coding change: c.153-3C>T on transcript NM_203288.2 (MANE Select); 3 bases into the intron before coding-DNA position 153, C replaced by T.
Molecular consequence: intron variant.
Genome position (GRCh38, 1-based): chr7:33,100,564, G>A on the plus strand (C>T on the coding strand, the complement: RP9 is on the minus strand). VCF-style: chr7-33100564-G-A. GRCh37 (hg19) VCF-style: chr7-33140176-G-A.
Identifiers: ClinVar variation 1993147 (VCV001993147.4), dbSNP rs1335130652, ClinGen allele CA573517185.